The following is an entry in ClinVar:

ClinVar aggregate classification (germline): Pathogenic (1 of 4 stars; one submission).

Conditions:
Inflammatory bowel disease 25. Also called: Inflammatory bowel disease 25, early onset, autosomal recessive. Identifiers: Orphanet 238569, MedGen C2675508, MONDO:0012941, OMIM 612567.

Submission:

Labcorp Genetics (formerly Invitae), Labcorp
Classification: Pathogenic for Inflammatory bowel disease 25. Last evaluated: 2025-01-01. Review status: criteria provided, single submitter. Criteria: Invitae Variant Classification Sherloc (09022015). Collection method: clinical testing. Allele origin: germline.
Comment: This sequence change creates a premature translational stop signal (p.Tyr56*) in the IL10RB gene. It is expected to result in an absent or disrupted protein product. Loss-of-function variants in IL10RB are known to be pathogenic (PMID: 22549091). This variant is not present in population databases (gnomAD no frequency). This variant has not been reported in the literature in individuals affected with IL10RB-related conditions. Algorithms developed to predict the effect of sequence changes on RNA splicing suggest that this variant may disrupt the consensus splice site. For these reasons, this variant has been classified as Pathogenic.

Literature cited by the submitters: PubMed 22549091.

NM_000628.5(IL10RB):c.168C>G (p.Tyr56Ter)

Genes: IL10RB (interleukin 10 receptor subunit beta; plus strand), IFNAR2-IL10RB (IFNAR2-IL10RB readthrough; plus strand). Cytogenetic location: 21q22.11.
Variant type: single nucleotide variant.
Coding change: c.168C>G on transcript NM_000628.5 (MANE Select); coding-DNA position 168, C replaced by G.
Protein change: p.Tyr56Ter; replaces tyrosine 56 with a stop codon.
Molecular consequence: nonsense. On other transcripts: non-coding transcript variant (1).
Genome position (GRCh38, 1-based): chr21:33,268,512, C>G. VCF-style: chr21-33268512-C-G. GRCh37 (hg19) VCF-style: chr21-34640817-C-G.
Other names: c.828C>G, p.Tyr276Ter (NM_001414505.1); c.168C>G, p.Tyr56Ter (NM_001405849.1, NM_001405850.1, NM_001406840.1); short protein forms Y276*, Y56*.
Identifiers: ClinVar variation 3660494 (VCV003660494.2).